The following is an entry in ClinVar:

ClinVar aggregate classification (germline): Pathogenic (1 of 4 stars; one submission).

Conditions:
Fabry disease. Also called: ALPHA-GALACTOSIDASE A DEFICIENCY; ANDERSON-FABRY DISEASE; CERAMIDE TRIHEXOSIDASE DEFICIENCY; GLA DEFICIENCY; HEREDITARY DYSTOPIC LIPIDOSIS; Angiokeratoma corporis diffusum. Identifiers: Orphanet 324, MedGen C0002986, MONDO:0010526, OMIM 301500, HP:0001071. Disease mechanism: Fabry disease is due to inactivating mutations in the X-linked GLA gene resulting in deficiency of the enzyme Alpha Galactosidase-A., loss of function.

Submission:

Genomenon, Inc
Classification: Pathogenic for Fabry disease. Last evaluated: 2026-09-08. Review status: criteria provided, single submitter. Criteria: Genomenon Sequence Variant Interpretation Standards - Updated. Collection method: curation. Allele origin: germline. Affected: yes.
Comment: GLA p.Asp170Asn (c.508G>A) is a missense variant that changes the amino acid at codon 170 from Aspartic acid to Asparagine. This variant has been observed in at least one proband with clinical features consistent with Fabry disease (PMID:31649303;30477121;36640471;22176145;38618884;30594474). At least one functional study has demonstrated a substantial alteration in protein function relative to the wild-type (PMID:32023956;27657681;23935525). This variant is located in a mutational hotspot and/or important functional domain. It is absent or not present at a significant frequency in gnomAD. In silico models predict that this variant is possibly or probably damaging. In conclusion, we classify GLA p.Asp170Asn (c.508G>A) as a pathogenic variant.

Literature cited by the submitters: PubMed 31649303; PubMed 30477121; PubMed 36640471; PubMed 22176145; PubMed 38618884; PubMed 30594474; PubMed 32023956; PubMed 27657681; PubMed 23935525.

NM_000169.3(GLA):c.508G>A (p.Asp170Asn)

Genes: GLA (galactosidase alpha; minus strand), RPL36A-HNRNPH2 (RPL36A-HNRNPH2 readthrough; plus strand). Cytogenetic location: Xq22.1.
Variant type: single nucleotide variant.
Coding change: c.508G>A on transcript NM_000169.3 (MANE Select); coding-DNA position 508, G replaced by A.
Protein change: p.Asp170Asn; replaces aspartic acid 170 with asparagine.
Molecular consequence: missense variant. On other transcripts: non-coding transcript variant (3), intron variant (2).
Genome position (GRCh38, 1-based): chrX:101,401,671, C>T on the plus strand (G>A on the coding strand, the complement: GLA is on the minus strand). VCF-style: chrX-101401671-C-T. GRCh37 (hg19) VCF-style: chrX-100656659-C-T.
Other names: c.631G>A, p.Asp211Asn (NM_001406747.1, NM_001406749.1); c.508G>A, p.Asp170Asn (NM_001406748.1); c.300+6214C>T (NM_001199973.2); c.177+9849C>T (NM_001199974.2); short protein forms D170N, D211N.
Identifiers: ClinVar variation 4087401 (VCV004087401.2), dbSNP rs869312315.